The following is an entry in ClinVar:

NM_001040151.2(SCN3B):c.219+2T>C

Gene: SCN3B (sodium voltage-gated channel beta subunit 3; minus strand). Cytogenetic location: 11q24.1.
Variant type: single nucleotide variant.
Coding change: c.219+2T>C on transcript NM_001040151.2 (MANE Select); the canonical splice donor site of the intron after coding-DNA position 219, T replaced by C.
Molecular consequence: splice donor variant.
Genome position (GRCh38, 1-based): chr11:123,645,585, A>G on the plus strand (T>C on the coding strand, the complement: SCN3B is on the minus strand). VCF-style: chr11-123645585-A-G. GRCh37 (hg19) VCF-style: chr11-123516293-A-G.
Other names: c.219+2T>C (NM_018400.4).
Identifiers: ClinVar variation 1495811 (VCV001495811.8), dbSNP rs750105827, ClinGen allele CA6334064.

ClinVar aggregate classification (germline): Uncertain significance (1 of 4 stars; one submission).

Conditions:
Brugada syndrome 7 (BRGDA7). Identifiers: Orphanet 130, MedGen C2751088, MONDO:0013146, OMIM 613120.

Allele frequency attached by ClinVar (database versions not stated): gnomAD exomes below 0.00001; ExAC 0.00001.
gnomAD v4.1: 1 of 1,614,152 alleles (0.000062%); highest among the groups gnomAD compares: Non-Finnish European, 0.000085%; no homozygotes.

Submission:

Labcorp Genetics (formerly Invitae), Labcorp
Classification: Uncertain significance for Brugada syndrome 7. Last evaluated: 2020-12-21. Review status: criteria provided, single submitter. Criteria: Invitae Variant Classification Sherloc (09022015). Collection method: clinical testing. Allele origin: germline.
Comment: Algorithms developed to predict the effect of sequence changes on RNA splicing suggest that this variant may disrupt the consensus splice site, but this prediction has not been confirmed by published transcriptional studies. In summary, the available evidence is currently insufficient to determine the role of this variant in disease. Therefore, it has been classified as a Variant of Uncertain Significance. This variant has not been reported in the literature in individuals with SCN3B-related conditions. This sequence change affects a donor splice site in intron 2 of the SCN3B gene. It is expected to disrupt RNA splicing. Variants that disrupt the donor or acceptor splice site typically lead to a loss of protein function (PMID: 16199547), however the current clinical and genetic evidence is not sufficient to establish whether loss-of-function variants in SCN3B cause disease. This variant is present in population databases (rs750105827, ExAC 0.001%).

Literature cited by the submitters: PubMed 16199547.